The following is an entry in ClinVar:

ClinVar aggregate classification (germline): Conflicting classifications of pathogenicity. Review status: criteria provided, conflicting classifications (1 of 4 stars). 2 submissions from 2 submitters: Uncertain significance (1); Likely benign (1). Last evaluated 2024-05-11.

Allele frequency attached by ClinVar (database versions not stated): ESP Exome Variant Server 0.00016; gnomAD 0.00001; TOPMed 0.00002; ExAC 0.00003; gnomAD exomes 0.00011.
gnomAD v4.1: 151 of 1,612,148 alleles (0.0094%); highest among the groups gnomAD compares: Non-Finnish European, 0.012%; no homozygotes.

Submissions (2):

Labcorp Genetics (formerly Invitae), Labcorp
Classification: Likely benign. Last evaluated: 2024-05-11. Review status: criteria provided, single submitter. Criteria: Invitae Variant Classification Sherloc (09022015). Collection method: clinical testing. Allele origin: germline.

GeneDx
Classification: Uncertain significance. Last evaluated: 2023-08-27. Review status: criteria provided, single submitter. Criteria: GeneDx Variant Classification Process June 2021. Collection method: clinical testing. Allele origin: germline.
Comment: In silico analysis supports that this variant does not alter splicing; Has not been previously published as pathogenic or benign to our knowledge

NM_000260.4(MYO7A):c.984G>A (p.Leu328=)

Gene: MYO7A (myosin VIIA; plus strand). Cytogenetic location: 11q13.5.
Variant type: single nucleotide variant.
Coding change: c.984G>A on transcript NM_000260.4 (MANE Select); coding-DNA position 984, G replaced by A.
Protein change: p.Leu328=; no amino-acid change (leucine 328 retained).
Molecular consequence: synonymous variant.
Genome position (GRCh38, 1-based): chr11:77,158,411, G>A. VCF-style: chr11-77158411-G-A. GRCh37 (hg19) VCF-style: chr11-76869457-G-A.
Other names: c.984G>A, p.Leu328= (NM_001127180.2); c.951G>A, p.Leu317= (NM_001369365.1); c.984G>A (NM_000260.3).
Identifiers: ClinVar variation 1979323 (VCV001979323.6), dbSNP rs372046417, ClinGen allele CA6197314.
Genomic context (GRCh38, chr11:77,158,411, plus strand): 5'-CATGTTCACTGACACCGAGAACTGGGAGATCTCGAAGCTCCTGGCTGCCATCCTGCACCT[G>A]GGCAACCTGCAGTATGAGGGTGAGGCTGCGCCACACTCGCCCTGCCCCACCCCTGCGCCA-3'
Protein context (NP_000251.3, residues 318-338): ISKLLAAILH[Leu328=]GNLQYEARTF